The following is an entry in ClinVar:

ClinVar aggregate classification (germline): Uncertain significance (1 of 4 stars; one submission).

Conditions:
Thyroid dyshormonogenesis 1. Also called: THYROID HORMONOGENESIS, GENETIC DEFECT IN, 1; HYPOTHYROIDISM, CONGENITAL, DUE TO DYSHORMONOGENESIS, 1; IODINE ACCUMULATION, TRANSPORT, OR TRAPPING DEFECT; Familial thyroid dyshormonogenesis 1. Identifiers: Orphanet 95716, MedGen C1848805, MONDO:0020716, OMIM 274400.

Submission:

Juno Genomics, Hangzhou Juno Genomics, Inc
Classification: Uncertain significance for Thyroid dyshormonogenesis 1. Review status: criteria provided, single submitter. Criteria: ACMG Guidelines, 2015. Collection method: clinical testing. Allele origin: germline.
Comment: Absent from controls (or at extremely low frequency if recessive) in Genome Aggregation Database.

NM_000453.3(SLC5A5):c.413T>G (p.Ile138Ser)

Gene: SLC5A5 (solute carrier family 5 member 5; plus strand). Cytogenetic location: 19p13.11.
Variant type: single nucleotide variant.
Coding change: c.413T>G on transcript NM_000453.3 (MANE Select); coding-DNA position 413, T replaced by G.
Protein change: p.Ile138Ser; replaces isoleucine 138 with serine.
Molecular consequence: missense variant.
Genome position (GRCh38, 1-based): chr19:17,874,193, T>G. VCF-style: chr19-17874193-T-G. GRCh37 (hg19) VCF-style: chr19-17985002-T-G.
Other names: c.146T>G, p.Ile49Ser (NM_001440707.1); short protein forms I138S, I49S.
Identifiers: ClinVar variation 5005953 (VCV005005953.2).